The following is an entry in ClinVar:

NM_002495.4(NDUFS4):c.167A>C (p.Asp56Ala)

Gene: NDUFS4 (NADH:ubiquinone oxidoreductase subunit S4; plus strand). Cytogenetic location: 5q11.2.
Variant type: single nucleotide variant.
Coding change: c.167A>C on transcript NM_002495.4 (MANE Select); coding-DNA position 167, A replaced by C.
Protein change: p.Asp56Ala; replaces aspartic acid 56 with alanine.
Molecular consequence: missense variant. On other transcripts: non-coding transcript variant (3).
Genome position (GRCh38, 1-based): chr5:53,603,520, A>C. VCF-style: chr5-53603520-A-C. GRCh37 (hg19) VCF-style: chr5-52899350-A-C.
Other names: c.167A>C, p.Asp56Ala (NM_001318051.2); short protein forms D56A.
Identifiers: ClinVar variation 1943160 (VCV001943160.2), dbSNP rs749845171, ClinGen allele CA3264197.
Genomic context (GRCh38, chr5:53,603,520, plus strand): 5'-GGACTTCCACATGGAGATTGGCACAGGACCAGACTCAAGACACACAACTCATAACAGTTG[A>C]TGAAAAATTGGTAAGGATTTTCTACTACACACTGCTATGGTTCTGCCTTCAGGGTTATTT-3'
Protein context (NP_002486.1, residues 46-66): QTQDTQLITV[Asp56Ala]EKLDITTLTG

ClinVar aggregate classification (germline): Uncertain significance (1 of 4 stars; one submission).

Allele frequency attached by ClinVar (database versions not stated): ExAC 0.00001; gnomAD exomes 0.00001; TOPMed 0.00001.
gnomAD v4.1: 6 of 1,613,738 alleles (0.00037%); highest among the groups gnomAD compares: Admixed American, 0.01%; no homozygotes.

Submission:

Labcorp Genetics (formerly Invitae), Labcorp
Classification: Uncertain significance. Last evaluated: 2022-08-21. Review status: criteria provided, single submitter. Criteria: Invitae Variant Classification Sherloc (09022015). Collection method: clinical testing. Allele origin: germline.
Comment: This sequence change replaces aspartic acid, which is acidic and polar, with alanine, which is neutral and non-polar, at codon 56 of the NDUFS4 protein (p.Asp56Ala). This variant is present in population databases (rs749845171, gnomAD 0.02%). This variant has not been reported in the literature in individuals affected with NDUFS4-related conditions. Algorithms developed to predict the effect of missense changes on protein structure and function are either unavailable or do not agree on the potential impact of this missense change (SIFT: "Not Available"; PolyPhen-2: "Benign"; Align-GVGD: "Not Available"). In summary, the available evidence is currently insufficient to determine the role of this variant in disease. Therefore, it has been classified as a Variant of Uncertain Significance.